The following is an entry in ClinVar:

ClinVar aggregate classification (germline): Uncertain significance (1 of 4 stars; one submission).

Conditions:
Hereditary cancer-predisposing syndrome. Also called: Neoplastic Syndromes, Hereditary; Tumor predisposition; Hereditary Cancer Syndrome; Hereditary neoplastic syndrome. Identifiers: Orphanet 140162, MedGen C0027672, MeSH D009386, MONDO:0015356.

Submission:

Color Diagnostics, LLC DBA Color Health
Classification: Uncertain significance for Hereditary cancer-predisposing syndrome. Last evaluated: 2021-09-20. Review status: criteria provided, single submitter. Criteria: ACMG Guidelines, 2015. Collection method: clinical testing. Allele origin: germline.
Comment: This missense variant replaces proline with leucine at codon 351 of the BRIP1 protein. Computational prediction suggests that this variant may have deleterious impact on protein structure and function (internally defined REVEL score threshold >= 0.7, PMID: 27666373). To our knowledge, functional studies have not been reported for this variant. This variant has not been reported in individuals affected with hereditary cancer in the literature. This variant has not been identified in the general population by the Genome Aggregation Database (gnomAD). The available evidence is insufficient to determine the role of this variant in disease conclusively. Therefore, this variant is classified as a Variant of Uncertain Significance.

NM_032043.3(BRIP1):c.1052C>T (p.Pro351Leu)

Gene: BRIP1 (BRCA1 interacting DNA helicase 1; minus strand). Cytogenetic location: 17q23.2.
Variant type: single nucleotide variant.
Coding change: c.1052C>T on transcript NM_032043.3 (MANE Select); coding-DNA position 1052, C replaced by T.
Protein change: p.Pro351Leu; replaces proline 351 with leucine.
Molecular consequence: missense variant.
Genome position (GRCh38, 1-based): chr17:61,801,341, G>A on the plus strand (C>T on the coding strand, the complement: BRIP1 is on the minus strand). VCF-style: chr17-61801341-G-A. GRCh37 (hg19) VCF-style: chr17-59878702-G-A.
Other names: short protein forms P351L.
Identifiers: ClinVar variation 2775001 (VCV002775001.2), dbSNP rs2145335895, ClinGen allele CA400484031.